The following is an entry in ClinVar:

NC_000021.8:g.(?_33974153)_(34074377_?)dup

Genes: SYNJ1 (synaptojanin 1; minus strand), CFAP298 (cilia and flagella associated protein 298; minus strand), CFAP298-TCP10L (CFAP298-TCP10L readthrough; minus strand), LOC130066544 (ATAC-STARR-seq lymphoblastoid active region 18364; plus strand), LOC130066545 (ATAC-STARR-seq lymphoblastoid active region 18365; plus strand) and 1 more. Cytogenetic location: 21q22.11.
Variant type: Duplication.
Identifiers: ClinVar variation 584218 (VCV000584218.9).

ClinVar aggregate classification (germline): Uncertain significance (1 of 4 stars; one submission).

Conditions:
Developmental and epileptic encephalopathy, 53. Also called: Epileptic encephalopathy, early infantile, 53. Identifiers: MedGen C4479313, MONDO:0033362, OMIM 617389.
Early-onset Parkinson disease 20. Also called: PARKINSON DISEASE 20, AUTOSOMAL RECESSIVE EARLY-ONSET. Identifiers: Orphanet 391411, MedGen C3809824, MONDO:0014233, OMIM 615530.

Submission:

Labcorp Genetics (formerly Invitae), Labcorp
Classification: Uncertain significance for Developmental and epileptic encephalopathy, 53; Early-onset Parkinson disease 20. Last evaluated: 2018-10-12. Review status: criteria provided, single submitter. Criteria: Invitae Variant Classification Sherloc (09022015). Collection method: clinical testing. Allele origin: germline.
Comment: In summary, the available evidence is currently insufficient to determine the role of this variant in disease. Therefore, it has been classified as a Variant of Uncertain Significance. Experimental studies are not available for this variant, and the functional significance of a copy number gain of these exons is currently unknown. This variant has not been reported in the literature in individuals with SYNJ1-related disease. This variant results in a copy number gain of the genomic region encompassing exons 3-32 of the SYNJ1 gene. The 5' boundary is likely confined to intron 2. The 3' end of this event is unknown as it extends beyond the assayed region for this gene and therefore may encompass additional genes. As the precise location of this event is unknown, it may be in tandem or it may be located elsewhere in the genome.